The following is an entry in ClinVar:

ClinVar aggregate classification (germline): Uncertain significance (1 of 4 stars; one submission).

Allele frequency attached by ClinVar (database versions not stated): gnomAD exomes below 0.00001 and 0.00002; gnomAD 0.00001; TOPMed 0.00001; ExAC 0.00003; 1000 Genomes Project 30x 0.00016; 1000 Genomes Project 0.00020.
gnomAD v4.1: 6 of 1,613,058 alleles (0.00037%); highest among the groups gnomAD compares: Admixed American, 0.01%; no homozygotes.

Submission:

Labcorp Genetics (formerly Invitae), Labcorp
Classification: Uncertain significance. Last evaluated: 2023-12-11. Review status: criteria provided, single submitter. Criteria: Invitae Variant Classification Sherloc (09022015). Collection method: clinical testing. Allele origin: germline.
Comment: This sequence change replaces proline, which is neutral and non-polar, with alanine, which is neutral and non-polar, at codon 74 of the PEX3 protein (p.Pro74Ala). This variant is present in population databases (rs200781316, gnomAD 0.02%). This variant has not been reported in the literature in individuals affected with PEX3-related conditions. ClinVar contains an entry for this variant (Variation ID: 1508183). Advanced modeling of protein sequence and biophysical properties (such as structural, functional, and spatial information, amino acid conservation, physicochemical variation, residue mobility, and thermodynamic stability) performed at Invitae indicates that this missense variant is expected to disrupt PEX3 protein function with a positive predictive value of 80%. In summary, the available evidence is currently insufficient to determine the role of this variant in disease. Therefore, it has been classified as a Variant of Uncertain Significance.

NM_003630.3(PEX3):c.220C>G (p.Pro74Ala)

Gene: PEX3 (peroxisomal biogenesis factor 3; plus strand). Cytogenetic location: 6q24.2.
Variant type: single nucleotide variant.
Coding change: c.220C>G on transcript NM_003630.3 (MANE Select); coding-DNA position 220, C replaced by G.
Protein change: p.Pro74Ala; replaces proline 74 with alanine.
Molecular consequence: missense variant.
Genome position (GRCh38, 1-based): chr6:143,462,930, C>G. VCF-style: chr6-143462930-C-G. GRCh37 (hg19) VCF-style: chr6-143784067-C-G.
Other names: short protein forms P74A.
Identifiers: ClinVar variation 1508183 (VCV001508183.6), dbSNP rs200781316, ClinGen allele CA4029502.